The following is an entry in ClinVar:

NM_004260.4(RECQL4):c.895C>G (p.Pro299Ala)

Gene: RECQL4 (RecQ like helicase 4; minus strand). Cytogenetic location: 8q24.3.
Variant type: single nucleotide variant.
Coding change: c.895C>G on transcript NM_004260.4 (MANE Select); coding-DNA position 895, C replaced by G.
Protein change: p.Pro299Ala; replaces proline 299 with alanine.
Molecular consequence: missense variant.
Genome position (GRCh38, 1-based): chr8:144,516,224, G>C on the plus strand (C>G on the coding strand, the complement: RECQL4 is on the minus strand). VCF-style: chr8-144516224-G-C. GRCh37 (hg19) VCF-style: chr8-145741608-G-C.
Other names: short protein forms P299A.
Identifiers: ClinVar variation 1504175 (VCV001504175.3), dbSNP rs1319378486, ClinGen allele CA372688742.
Genomic context (GRCh38, chr8:144,516,224, plus strand): 5'-ACCTGGGGTTCGATGGGCTGCTGCAGGGCTGAGGTGGCTGTGCCTGTACAGGTTCCCCTG[G>C]AGGGTCTTCCTCAACTGCTACAGCCCCAGCCCCCTCCGATGGGGGTCCAGCTTGGCTGCT-3'
Protein context (NP_004251.4, residues 289-309): AGAVAVEEDP[Pro299Ala]GEPVQAQPPQ

ClinVar aggregate classification (germline): Uncertain significance (1 of 4 stars; one submission).

Conditions:
Baller-Gerold syndrome (BGS). Also called: CRANIOSYNOSTOSIS WITH RADIAL DEFECTS. Identifiers: Orphanet 1225, MedGen C0265308, MONDO:0009039, OMIM 218600.

Submission:

Labcorp Genetics (formerly Invitae), Labcorp
Classification: Uncertain significance for Baller-Gerold syndrome. Last evaluated: 2021-08-07. Review status: criteria provided, single submitter. Criteria: Invitae Variant Classification Sherloc (09022015). Collection method: clinical testing. Allele origin: germline.
Comment: This sequence change replaces proline with alanine at codon 299 of the RECQL4 protein (p.Pro299Ala). The proline residue is moderately conserved and there is a small physicochemical difference between proline and alanine. This variant is not present in population databases (ExAC no frequency). This variant has not been reported in the literature in individuals with RECQL4-related conditions. Experimental studies and prediction algorithms are not available or were not evaluated, and the functional significance of this variant is currently unknown. In summary, the available evidence is currently insufficient to determine the role of this variant in disease. Therefore, it has been classified as a Variant of Uncertain Significance.